The following is an entry in ClinVar:

ClinVar aggregate classification (germline): Uncertain significance (1 of 4 stars; one submission).

Conditions:
Inborn genetic diseases. Identifiers: MedGen C0950123, MeSH D030342.

Submission:

Ambry Genetics
Classification: Uncertain significance for Inborn genetic diseases. Last evaluated: 2024-05-07. Review status: criteria provided, single submitter. Criteria: Ambry Variant Classification Scheme 2023. Collection method: clinical testing. Allele origin: germline.
Comment: The p.S423L variant (also known as c.1268C>T), located in coding exon 11 of the LRRK2 gene, results from a C to T substitution at nucleotide position 1268. The serine at codon 423 is replaced by leucine, an amino acid with dissimilar properties. This amino acid position is conserved. In addition, this alteration is predicted to be tolerated by in silico analysis. Based on the available evidence, the clinical significance of this variant remains unclear.

NM_198578.4(LRRK2):c.1268C>T (p.Ser423Leu)

Gene: LRRK2 (leucine rich repeat kinase 2; plus strand). Cytogenetic location: 12q12.
Variant type: single nucleotide variant.
Coding change: c.1268C>T on transcript NM_198578.4 (MANE Select); coding-DNA position 1268, C replaced by T.
Protein change: p.Ser423Leu; replaces serine 423 with leucine.
Molecular consequence: missense variant.
Genome position (GRCh38, 1-based): chr12:40,252,996, C>T. VCF-style: chr12-40252996-C-T. GRCh37 (hg19) VCF-style: chr12-40646798-C-T.
Other names: short protein forms S423L.
Identifiers: ClinVar variation 3291995 (VCV003291995.1).